The following is an entry in ClinVar:

ClinVar aggregate classification (germline): Uncertain significance (1 of 4 stars; one submission).

Conditions:
Renal tubular acidosis, distal, 3, with or without sensorineural hearing loss (DRTA3). Identifiers: MedGen C5399980, MONDO:0011268, OMIM 602722.

gnomAD v4.1: 1 of 1,613,974 alleles (0.000062%); no homozygotes.

Submission:

Juno Genomics, Hangzhou Juno Genomics, Inc
Classification: Uncertain significance for Renal tubular acidosis, distal, 3, with or without sensorineural hearing loss. Review status: criteria provided, single submitter. Criteria: ACMG Guidelines, 2015. Collection method: clinical testing. Allele origin: germline.
Comment: Absent from controls (or at extremely low frequency if recessive) in Genome Aggregation Database.;Multiple lines of computational evidence support a deleterious effect on the gene or gene product.

NM_020632.3(ATP6V0A4):c.513-23T>C

Gene: ATP6V0A4 (ATPase H+ transporting V0 subunit a4; minus strand). Cytogenetic location: 7q34.
Variant type: single nucleotide variant.
Coding change: c.513-23T>C on transcript NM_020632.3 (MANE Select); 23 bases into the intron before coding-DNA position 513, T replaced by C.
Molecular consequence: intron variant.
Genome position (GRCh38, 1-based): chr7:138,759,901, A>G on the plus strand (T>C on the coding strand, the complement: ATP6V0A4 is on the minus strand). VCF-style: chr7-138759901-A-G. GRCh37 (hg19) VCF-style: chr7-138444646-A-G.
Other names: c.513-23T>C (NM_130840.3, NM_130841.3).
Identifiers: ClinVar variation 5019940 (VCV005019940.2).
Genomic context (GRCh38, chr7:138,759,901, plus strand): 5'-AAGCCATCCTCTCCCTGTTGATCACACCGGCTATGAACCTAGGCAGCCAGAAGGGAAGAC[A>G]TTCCTTAAGGCACAGGGATTGGGATGCAGAGAGAAGGCCCTGTAGGACGTGAAGACACAC-3'